The following is an entry in ClinVar:

NM_001041.4(SI):c.2852C>G (p.Thr951Ser)

Gene: SI (sucrase-isomaltase; minus strand). Cytogenetic location: 3q26.1.
Variant type: single nucleotide variant.
Coding change: c.2852C>G on transcript NM_001041.4 (MANE Select); coding-DNA position 2852, C replaced by G.
Protein change: p.Thr951Ser; replaces threonine 951 with serine.
Molecular consequence: missense variant.
Genome position (GRCh38, 1-based): chr3:165,030,752, G>C on the plus strand (C>G on the coding strand, the complement: SI is on the minus strand). VCF-style: chr3-165030752-G-C. GRCh37 (hg19) VCF-style: chr3-164748540-G-C.
Other names: c.2852C>G (NM_001041.3); short protein forms T951S.
Identifiers: ClinVar variation 1415424 (VCV001415424.6), dbSNP rs769773706, ClinGen allele CA2690485.

ClinVar aggregate classification (germline): Uncertain significance. Review status: criteria provided, multiple submitters, no conflicts (2 of 4 stars). 2 submissions from 2 submitters: Uncertain significance (2). Last evaluated 2023-08-04.

Conditions:
Inborn genetic diseases. Identifiers: MedGen C0950123, MeSH D030342.

Allele frequency attached by ClinVar (database versions not stated): gnomAD 0.00003 and 0.00004; gnomAD exomes 0.00003 and 0.00006; TOPMed 0.00003; ExAC 0.00005.
gnomAD v4.1: 49 of 1,608,646 alleles (0.003%); highest among the groups gnomAD compares: South Asian, 0.02%; 2 homozygotes.

Submissions (2):

Ambry Genetics
Classification: Uncertain significance for Inborn genetic diseases. Last evaluated: 2023-08-04. Review status: criteria provided, single submitter. Criteria: Ambry Variant Classification Scheme 2023. Collection method: clinical testing. Allele origin: germline.

Labcorp Genetics (formerly Invitae), Labcorp
Classification: Uncertain significance. Last evaluated: 2022-10-25. Review status: criteria provided, single submitter. Criteria: Invitae Variant Classification Sherloc (09022015). Collection method: clinical testing. Allele origin: germline.
Comment: This sequence change replaces threonine, which is neutral and polar, with serine, which is neutral and polar, at codon 951 of the SI protein (p.Thr951Ser). This variant is present in population databases (rs769773706, gnomAD 0.02%). This variant has not been reported in the literature in individuals affected with SI-related conditions. ClinVar contains an entry for this variant (Variation ID: 1415424). Algorithms developed to predict the effect of missense changes on protein structure and function output the following: SIFT: "Tolerated"; PolyPhen-2: "Benign"; Align-GVGD: "Class C0". The serine amino acid residue is found in multiple mammalian species, which suggests that this missense change does not adversely affect protein function. In summary, the available evidence is currently insufficient to determine the role of this variant in disease. Therefore, it has been classified as a Variant of Uncertain Significance.